The following is an entry in ClinVar:

ClinVar aggregate classification (germline): Pathogenic. Review status: criteria provided, single submitter (1 of 4 stars). 2 submissions from 2 submitters: Pathogenic (1). 1 of the submissions does not count toward it. Last evaluated 2022-02-03.

Conditions:
Focal dermal hypoplasia (FDH). Also called: Goltz syndrome. Identifiers: Orphanet 2092, MedGen C0016395, MONDO:0010592, OMIM 305600.
Anophthalmia-microphthalmia syndrome. Also called: Anophthalmia/Microphthalmia; Anophthalmia - microphthalmia. Identifiers: Orphanet 98555, MedGen C5680330, MONDO:0020147.

Submissions (2):

Labcorp Genetics (formerly Invitae), Labcorp
Classification: Pathogenic. Last evaluated: 2022-02-03. Review status: criteria provided, single submitter. Criteria: Invitae Variant Classification Sherloc (09022015). Collection method: clinical testing. Allele origin: germline.
Comment: This sequence change replaces glycine, which is neutral and non-polar, with arginine, which is basic and polar, at codon 60 of the PORCN protein (p.Gly60Arg). This variant is not present in population databases (gnomAD no frequency). This missense change has been observed in individual(s) with focal dermal hypoplasia (PMID: 17546030, 30022487, 32141364). In at least one individual the variant was observed to be de novo. ClinVar contains an entry for this variant (Variation ID: 10701). Algorithms developed to predict the effect of missense changes on protein structure and function are either unavailable or do not agree on the potential impact of this missense change (SIFT: "Deleterious"; PolyPhen-2: "Probably Damaging"; Align-GVGD: "Class C15"). Experimental studies have shown that this missense change affects PORCN function (PMID: 22888000). For these reasons, this variant has been classified as Pathogenic.

OMIM
Classification: Pathogenic for FOCAL DERMAL HYPOPLASIA. Last evaluated: 2007-07-01. Review status: no assertion criteria provided. Collection method: literature only. Allele origin: germline. Not counted in ClinVar's aggregate classification.

Literature cited by the submitters: PubMed 17546030 (cited by Labcorp Genetics (formerly Invitae), Labcorp and OMIM); PubMed 30022487 (cited by Labcorp Genetics (formerly Invitae), Labcorp); PubMed 32141364 (cited by Labcorp Genetics (formerly Invitae), Labcorp); PubMed 22888000 (cited by Labcorp Genetics (formerly Invitae), Labcorp).

NM_203475.3(PORCN):c.178G>A (p.Gly60Arg)

Gene: PORCN (porcupine O-acyltransferase; plus strand). Cytogenetic location: Xp11.23.
Variant type: single nucleotide variant.
Coding change: c.178G>A on transcript NM_203475.3 (MANE Select); coding-DNA position 178, G replaced by A.
Protein change: p.Gly60Arg; replaces glycine 60 with arginine.
Molecular consequence: missense variant. On other transcripts: intron variant (1).
Genome position (GRCh38, 1-based): chrX:48,511,336, G>A. VCF-style: chrX-48511336-G-A. GRCh37 (hg19) VCF-style: chrX-48369724-G-A.
Other names: c.178G>A, p.Gly60Arg (NM_022825.4, NM_203473.3, NM_203474.1); c.-6-30G>A (NM_001282167.2); c.178G>A (NM_203475.2); short protein forms G60R.
Identifiers: ClinVar variation 10701 (VCV000010701.12), dbSNP rs267606973, ClinGen allele CA255489.